The following is an entry in ClinVar:

NM_000179.3(MSH6):c.1630del (p.Glu544fs)

Gene: MSH6 (mutS homolog 6; plus strand). Cytogenetic location: 2p16.3.
Variant type: Deletion.
Coding change: c.1630del on transcript NM_000179.3 (MANE Select); coding-DNA position 1630, one base deleted (G; older notation c.1630delG).
Protein change: p.Glu544fs; shifts the reading frame from glutamic acid 544.
Molecular consequence: frameshift variant. On other transcripts: non-coding transcript variant (4), intron variant (2).
Genome position (GRCh38, 1-based): chr2:47,799,613, G deleted. VCF-style (leftmost placement, unchanged base first): chr2-47799612-AG-A. GRCh37 (hg19) VCF-style: chr2-48026751-AG-A.
Other names: c.1240del, p.Glu414fs (NM_001281492.2); c.724del, p.Glu242fs (NM_001281493.2, NM_001281494.2, NM_001406811.1 and 6 more transcripts); c.1726del, p.Glu576fs (NM_001406795.1, NM_001406802.1); c.1630del, p.Glu544fs (NM_001406796.1, NM_001406798.1, NM_001406800.1 and 3 more transcripts); c.1333del, p.Glu445fs (NM_001406797.1, NM_001406801.1, NM_001406805.1 and 10 more transcripts); c.1105del, p.Glu369fs (NM_001406799.1, NM_001406806.1, NM_001406807.1); c.1552del, p.Glu518fs (NM_001406804.1); c.1636del, p.Glu546fs (NM_001406813.1); and 3 more; short protein forms E242fs, E369fs, E414fs, E445fs, E488fs, E518fs, E544fs, E546fs.
Identifiers: ClinVar variation 3075773 (VCV003075773.1), dbSNP rs2530621022, ClinGen allele CA2586969261.

ClinVar aggregate classification (germline): Likely pathogenic (1 of 4 stars; one submission).

Conditions:
Lynch syndrome. Identifiers: Orphanet 144, MedGen C4552100, MONDO:0005835. Disease mechanism: loss of function.

Allele frequency attached by ClinVar (database versions not stated): gnomAD exomes below 0.00001.

Submission:

Laboratory for Molecular Medicine, Mass General Brigham Personalized Medicine
Classification: Likely pathogenic for Lynch syndrome. Last evaluated: 2019-05-08. Review status: criteria provided, single submitter. Criteria: ACMG Guidelines, 2015. Collection method: clinical testing. Allele origin: germline.
Comment: The p.Glu544LysfsX27 variant in MSH6 has not been previously reported in individuals with Lynch Syndrome and was absent from large population studies. This variant is predicted to cause a frameshift, which alters the protein’s amino acid sequence beginning at position 544 and leads to a premature termination codon 27 amino acids downstream. This alteration is then predicted to lead to a truncated or absent protein. Heterozygous loss of function of the MSH6 gene is an established disease mechanism in individuals with Lynch syndrome. In summary, this variant meets criteria to be classified as likely pathogenic for autosomal dominant Lynch syndrome. ACMG/AMP criteria applied: PVS1, PM2.